The following is an entry in ClinVar:

ClinVar aggregate classification (germline): Likely benign (1 of 4 stars; one submission).

Submission:

CeGaT Center for Human Genetics Tuebingen
Classification: Likely benign. Last evaluated: 2026-06-01. Review status: criteria provided, single submitter. Criteria: CeGaT Center For Human Genetics Tuebingen Variant Classification Criteria Version 2. Collection method: clinical testing. Allele origin: germline. Affected: yes. Observed: 1 variant allele.
Comment: DVL3: PM2:Supporting, BP4, BP7

NM_004423.4(DVL3):c.246G>A (p.Glu82=)

Gene: DVL3 (dishevelled segment polarity protein 3; plus strand). Cytogenetic location: 3q27.1.
Variant type: single nucleotide variant.
Coding change: c.246G>A on transcript NM_004423.4 (MANE Select); coding-DNA position 246, G replaced by A.
Protein change: p.Glu82=; no amino-acid change (glutamic acid 82 retained).
Molecular consequence: synonymous variant.
Genome position (GRCh38, 1-based): chr3:184,164,281, G>A. VCF-style: chr3-184164281-G-A. GRCh37 (hg19) VCF-style: chr3-183882069-G-A.
Identifiers: ClinVar variation 4873814 (VCV004873814.2).